The following is an entry in ClinVar:

ClinVar aggregate classification (germline): Likely benign (0 of 4 stars; one submission).

Conditions:
ARHGEF28-related disorder. Also called: ARHGEF28-related condition.

Allele frequency attached by ClinVar (database versions not stated): ExAC 0.00001; gnomAD 0.00001; gnomAD exomes 0.00001; TOPMed 0.00003.
gnomAD v4.1: 6 of 1,612,318 alleles (0.00037%); highest among the groups gnomAD compares: Admixed American, 0.0084%; no homozygotes.

Submission:

PreventionGenetics, part of Exact Sciences
Classification: Likely benign for ARHGEF28-related condition. Last evaluated: 2023-04-27. Review status: no assertion criteria provided. Collection method: clinical testing. Allele origin: germline.
Comment: This variant is classified as likely benign based on ACMG/AMP sequence variant interpretation guidelines (Richards et al. 2015 PMID: 25741868, with internal and published modifications).

NM_001177693.2(ARHGEF28):c.2751A>G (p.Glu917=)

Gene: ARHGEF28 (Rho guanine nucleotide exchange factor 28; plus strand). Cytogenetic location: 5q13.2.
Variant type: single nucleotide variant.
Coding change: c.2751A>G on transcript NM_001177693.2 (MANE Select); coding-DNA position 2751, A replaced by G.
Protein change: p.Glu917=; no amino-acid change (glutamic acid 917 retained).
Molecular consequence: synonymous variant.
Genome position (GRCh38, 1-based): chr5:73,873,183, A>G. VCF-style: chr5-73873183-A-G. GRCh37 (hg19) VCF-style: chr5-73169008-A-G.
Other names: c.2751A>G, p.Glu917= (NM_001080479.3, NM_001388078.1); c.1812A>G, p.Glu604= (NM_001244364.2); c.2457A>G, p.Glu819= (NM_001388076.1).
Identifiers: ClinVar variation 3036910 (VCV003036910.2), dbSNP rs753985676, ClinGen allele CA3304924.